The following is an entry in ClinVar:

ClinVar aggregate classification (germline): Uncertain significance (1 of 4 stars; one submission).

Submission:

Labcorp Genetics (formerly Invitae), Labcorp
Classification: Uncertain significance. Last evaluated: 2024-05-04. Review status: criteria provided, single submitter. Criteria: Invitae Variant Classification Sherloc (09022015). Collection method: clinical testing. Allele origin: germline.
Comment: This sequence change replaces alanine, which is neutral and non-polar, with proline, which is neutral and non-polar, at codon 417 of the MMP9 protein (p.Ala417Pro). This variant is not present in population databases (gnomAD no frequency). This variant has not been reported in the literature in individuals affected with MMP9-related conditions. Advanced modeling of protein sequence and biophysical properties (such as structural, functional, and spatial information, amino acid conservation, physicochemical variation, residue mobility, and thermodynamic stability) performed at Invitae indicates that this missense variant is expected to disrupt MMP9 protein function with a positive predictive value of 80%. In summary, the available evidence is currently insufficient to determine the role of this variant in disease. Therefore, it has been classified as a Variant of Uncertain Significance.

NM_004994.3(MMP9):c.1249G>C (p.Ala417Pro)

Gene: MMP9 (matrix metallopeptidase 9; plus strand). Cytogenetic location: 20q13.12.
Variant type: single nucleotide variant.
Coding change: c.1249G>C on transcript NM_004994.3 (MANE Select); coding-DNA position 1249, G replaced by C.
Protein change: p.Ala417Pro; replaces alanine 417 with proline.
Molecular consequence: missense variant.
Genome position (GRCh38, 1-based): chr20:46,012,501, G>C. VCF-style: chr20-46012501-G-C. GRCh37 (hg19) VCF-style: chr20-44641140-G-C.
Other names: short protein forms A417P.
Identifiers: ClinVar variation 3689312 (VCV003689312.2).